The following is an entry in ClinVar:

ClinVar aggregate classification (germline): Uncertain significance (1 of 4 stars; one submission).

Submission:

GeneDx
Classification: Uncertain significance. Last evaluated: 2022-08-30. Review status: criteria provided, single submitter. Criteria: GeneDx Variant Classification Process June 2021. Collection method: clinical testing. Allele origin: germline. Affected: yes.
Comment: Frameshift variant predicted to result in protein truncation as the last 21 amino acids are replaced with 60 different amino acids, although loss-of-function variants have not been reported downstream of this position in the protein; Not observed at significant frequency in large population cohorts (gnomAD); Has not been previously published as pathogenic or benign to our knowledge

NM_138691.3(TMC1):c.2219del (p.Glu740fs)

Gene: TMC1 (transmembrane channel like 1; plus strand). Cytogenetic location: 9q21.13.
Variant type: Deletion.
Coding change: c.2219del on transcript NM_138691.3 (MANE Select); coding-DNA position 2219, one base deleted (A; older notation c.2219delA).
Protein change: p.Glu740fs; shifts the reading frame from glutamic acid 740.
Molecular consequence: frameshift variant.
Genome position (GRCh38, 1-based): chr9:72,830,641, A deleted. VCF-style (leftmost placement, unchanged base first): chr9-72830640-GA-G. GRCh37 (hg19) VCF-style: chr9-75445556-GA-G.
Other names: short protein forms E740fs.
Identifiers: ClinVar variation 2442678 (VCV002442678.1), dbSNP rs2490000149, ClinGen allele CA2580080549.